The following is an entry in ClinVar:

ClinVar aggregate classification (germline): Likely pathogenic (1 of 4 stars; one submission).

Submission:

Labcorp Genetics (formerly Invitae), Labcorp
Classification: Likely pathogenic. Last evaluated: 2025-11-19. Review status: criteria provided, single submitter. Criteria: Invitae Variant Classification Sherloc (09022015). Collection method: clinical testing. Allele origin: germline.
Comment: This sequence change affects a donor splice site in intron 29 of the CDH23 gene. It is expected to disrupt RNA splicing. Variants that disrupt the donor or acceptor splice site typically lead to a loss of protein function (PMID: 16199547), and loss-of-function variants in CDH23 are known to be pathogenic (PMID: 11138009, 21940737). This variant is not present in population databases (gnomAD no frequency). This variant has not been reported in the literature in individuals affected with CDH23-related conditions. ClinVar contains an entry for this variant (Variation ID: 2711627). Algorithms developed to predict the effect of sequence changes on RNA splicing suggest that this variant may disrupt the consensus splice site. In summary, the currently available evidence indicates that the variant is pathogenic, but additional data are needed to prove that conclusively. Therefore, this variant has been classified as Likely Pathogenic.

Literature cited by the submitters: PubMed 16199547; PubMed 11138009; PubMed 21940737.

NM_022124.6(CDH23):c.3430+2T>C

Genes: C10orf105 (chromosome 10 open reading frame 105; minus strand), CDH23 (cadherin related 23; plus strand). Cytogenetic location: 10q22.1.
Variant type: single nucleotide variant.
Coding change: c.3430+2T>C on transcript NM_022124.6 (MANE Select); the canonical splice donor site of the intron after coding-DNA position 3430, T replaced by C.
Molecular consequence: splice donor variant. On other transcripts: intron variant (1).
Genome position (GRCh38, 1-based): chr10:71,724,107, T>C. VCF-style: chr10-71724107-T-C. GRCh37 (hg19) VCF-style: chr10-73483864-T-C.
Other names: c.3430+2T>C (NM_001171930.2); c.-5-7765A>G (NM_001168390.2).
Identifiers: ClinVar variation 2711627 (VCV002711627.3), dbSNP rs759644974, ClinGen allele CA5544712.